The following is an entry in ClinVar:

ClinVar aggregate classification (germline): Benign/Likely benign. Review status: criteria provided, multiple submitters, no conflicts (2 of 4 stars). 5 submissions from 5 submitters: Benign (1); Likely benign (4). Last evaluated 2026-06-23.

Conditions:
Retinoblastoma (RB1). Also called: RETINOBLASTOMA, SOMATIC. Identifiers: Orphanet 790, MedGen C0035335, MeSH D012175, MONDO:0008380, OMIM 180200, HP:0009919. Disease mechanism: loss of function. Inheritance: Both sporadic and heritable forms are tested..
Hereditary cancer-predisposing syndrome. Also called: Neoplastic Syndromes, Hereditary; Tumor predisposition; Hereditary Cancer Syndrome; Hereditary neoplastic syndrome. Identifiers: Orphanet 140162, MedGen C0027672, MeSH D009386, MONDO:0015356.

gnomAD v4.1: 2 of 1,612,926 alleles (0.00012%); highest among the groups gnomAD compares: Non-Finnish European, 0.00017%; no homozygotes.

Submissions (5):

Myriad Genetics, Inc.
Classification: Benign for Retinoblastoma. Last evaluated: 2026-06-23. Review status: criteria provided, single submitter. Criteria: Myriad Autosomal Dominant, Autosomal Recessive and X-Linked Classification Criteria (2023). Collection method: clinical testing. Allele origin: unknown.
Comment: This variant is considered benign. This variant is a silent/synonymous amino acid change and it is not expected to impact splicing.

Labcorp Genetics (formerly Invitae), Labcorp
Classification: Likely benign for Retinoblastoma. Last evaluated: 2025-03-13. Review status: criteria provided, single submitter. Criteria: Invitae Variant Classification Sherloc (09022015). Collection method: clinical testing. Allele origin: germline.

All of Us Research Program, National Institutes of Health
Classification: Likely benign for Retinoblastoma. Last evaluated: 2024-04-25. Review status: criteria provided, single submitter. Criteria: ACMG Guidelines, 2015. Collection method: clinical testing. Allele origin: germline. Inheritance: Autosomal dominant inheritance. Observed: 1 variant allele, 1 heterozygote.
Comment: This study involves interpretation of variants in research participants for the purpose of population health screening. Participant phenotype was not available at the time of variant classification. Additional details can be found in publication PMID: 35346344, PMCID: PMC8962531

Color Diagnostics, LLC DBA Color Health
Classification: Likely benign for Retinoblastoma. Last evaluated: 2024-04-17. Review status: criteria provided, single submitter. Criteria: ACMG Guidelines, 2015. Collection method: clinical testing. Allele origin: germline.

Ambry Genetics
Classification: Likely benign for Hereditary cancer-predisposing syndrome. Last evaluated: 2021-07-23. Review status: criteria provided, single submitter. Criteria: Ambry Variant Classification Scheme 2023. Collection method: clinical testing. Allele origin: germline.

NM_000321.3(RB1):c.321A>C (p.Ala107=)

Gene: RB1 (RB transcriptional corepressor 1; plus strand). Cytogenetic location: 13q14.2.
Variant type: single nucleotide variant.
Coding change: c.321A>C on transcript NM_000321.3 (MANE Select); coding-DNA position 321, A replaced by C.
Protein change: p.Ala107=; no amino-acid change (alanine 107 retained).
Molecular consequence: synonymous variant.
Genome position (GRCh38, 1-based): chr13:48,342,655, A>C. VCF-style: chr13-48342655-A-C. GRCh37 (hg19) VCF-style: chr13-48916791-A-C.
Identifiers: ClinVar variation 1129133 (VCV001129133.14), dbSNP rs2138083810, ClinGen allele CA483726168.
Genomic context (GRCh38, chr13:48,342,655, plus strand): 5'-CCAGGGAGGTTATATTCAAAAGAAAAAGGAACTGTGGGGAATCTGTATCTTTATTGCAGC[A>C]GTTGACCTAGATGAGATGTCGTTCACTTTTACTGAGCTACAGAAAAACATAGAAATCAGG-3'
Protein context (NP_000312.2, residues 97-117): ELWGICIFIA[Ala107=]VDLDEMSFTF